The following is an entry in ClinVar:

NM_153442.4(GPR26):c.71C>T (p.Ala24Val)

Gene: GPR26 (G protein-coupled receptor 26; plus strand). Cytogenetic location: 10q26.13.
Variant type: single nucleotide variant.
Coding change: c.71C>T on transcript NM_153442.4 (MANE Select); coding-DNA position 71, C replaced by T.
Protein change: p.Ala24Val; replaces alanine 24 with valine.
Molecular consequence: missense variant.
Genome position (GRCh38, 1-based): chr10:123,666,478, C>T. VCF-style: chr10-123666478-C-T. GRCh37 (hg19) VCF-style: chr10-125425994-C-T.
Other names: short protein forms A24V.
Identifiers: ClinVar variation 161823 (VCV000161823.2), dbSNP rs193920957, ClinGen allele CA174852.

ClinVar aggregate classification (germline): Uncertain significance (0 of 4 stars; one submission).

Conditions:
Prostate cancer. Also called: Malignant tumor of prostate. Identifiers: Orphanet 1331, MedGen C0376358, MONDO:0008315, HP:0012125.

Allele frequency attached by ClinVar (database versions not stated): TOPMed below 0.00001.
gnomAD v4.1: 2 of 1,560,288 alleles (0.00013%); highest among the groups gnomAD compares: Non-Finnish European, 0.000086%; no homozygotes.

Submission:

Science for Life laboratory,  Karolinska Institutet
Classification: Uncertain significance for Malignant tumor of prostate. Review status: no assertion criteria provided. Collection method: not provided. Allele origin: somatic.
Comment: TumorID:SWE-2
ClinVar note: Converted during submission from Unknown to Uncertain significance.